The following is an entry in ClinVar:

ClinVar aggregate classification (germline): Likely benign (1 of 4 stars; one submission).

Conditions:
IKZF2-related condition.

gnomAD v4.1: 1,632 of 152,524 alleles (1.1%); highest among the groups gnomAD compares: South Asian, 3.8%; 17 homozygotes.

Submission:

PreventionGenetics, part of Exact Sciences
Classification: Likely benign for IKZF2-related condition. Last evaluated: 2026-05-18. Review status: criteria provided, single submitter. Criteria: ACMG Guidelines, 2015. Collection method: clinical testing. Allele origin: germline.
Comment: This variant is classified as likely benign based on ACMG/AMP sequence variant interpretation guidelines (Richards et al. 2015 PMID: 25741868, with internal and published modifications).

NM_001387220.1(IKZF2):c.-274T>A

Gene: IKZF2 (IKAROS family zinc finger 2; minus strand). Cytogenetic location: 2q34.
Variant type: single nucleotide variant.
Coding change: c.-274T>A on transcript NM_001387220.1 (MANE Select); 274 bases upstream of the start codon, T replaced by A.
Molecular consequence: 5 prime UTR variant. On other transcripts: intron variant (2).
Genome position (GRCh38, 1-based): chr2:213,151,567, A>T on the plus strand (T>A on the coding strand, the complement: IKZF2 is on the minus strand). VCF-style: chr2-213151567-A-T. GRCh37 (hg19) VCF-style: chr2-214016291-A-T.
Other names: c.-274T>A (NM_001079526.2); c.-170T>A (NM_001371276.1); c.-16+559T>A (NM_001371277.1, NM_001371274.1).
Identifiers: ClinVar variation 4994809 (VCV004994809.1).